The following is an entry in ClinVar:

ClinVar aggregate classification (germline): Uncertain significance (1 of 4 stars; one submission).

Allele frequency attached by ClinVar (database versions not stated): gnomAD exomes below 0.00001; TOPMed below 0.00001.
gnomAD v4.1: 2 of 1,614,242 alleles (0.00012%); highest among the groups gnomAD compares: African/African-American, 0.0027%; no homozygotes.

Submission:

Labcorp Genetics (formerly Invitae), Labcorp
Classification: Uncertain significance. Last evaluated: 2021-11-10. Review status: criteria provided, single submitter. Criteria: Invitae Variant Classification Sherloc (09022015). Collection method: clinical testing. Allele origin: germline.
Comment: In summary, the available evidence is currently insufficient to determine the role of this variant in disease. Therefore, it has been classified as a Variant of Uncertain Significance. Algorithms developed to predict the effect of missense changes on protein structure and function are either unavailable or do not agree on the potential impact of this missense change (SIFT: "Deleterious"; PolyPhen-2: "Probably Damaging"; Align-GVGD: "Class C0"). This variant has not been reported in the literature in individuals affected with TUBA8-related conditions. This variant is present in population databases (no rsID available, gnomAD 0.007%). This sequence change replaces alanine, which is neutral and non-polar, with serine, which is neutral and polar, at codon 19 of the TUBA8 protein (p.Ala19Ser).

NM_018943.3(TUBA8):c.55G>T (p.Ala19Ser)

Gene: TUBA8 (tubulin alpha 8; plus strand). Cytogenetic location: 22q11.21.
Variant type: single nucleotide variant.
Coding change: c.55G>T on transcript NM_018943.3 (MANE Select); coding-DNA position 55, G replaced by T.
Protein change: p.Ala19Ser; replaces alanine 19 with serine.
Molecular consequence: missense variant. On other transcripts: 5 prime UTR variant (1).
Genome position (GRCh38, 1-based): chr22:18,121,530, G>T. VCF-style: chr22-18121530-G-T. GRCh37 (hg19) VCF-style: chr22-18604297-G-T.
Other names: c.-144G>T (NM_001193414.2); short protein forms A19S.
Identifiers: ClinVar variation 1502838 (VCV001502838.6), dbSNP rs1222356489, ClinGen allele CA410261385.
Genomic context (GRCh38, chr22:18,121,530, plus strand): 5'-TCCCCACAGCGGGAATGCATATCAGTCCACGTGGGCCAAGCGGGAGTTCAGATTGGCAAT[G>T]CCTGCTGGGAGCTCTTCTGCCTGGAACACGGCATCCAGGCAGACGGCACTTTTGATGCTC-3'
Protein context (NP_061816.1, residues 9-29): VGQAGVQIGN[Ala19Ser]CWELFCLEHG